The following is an entry in ClinVar:

NM_000093.5(COL5A1):c.4338+2T>C

Gene: COL5A1 (collagen type V alpha 1 chain; plus strand). Cytogenetic location: 9q34.3.
Variant type: single nucleotide variant.
Coding change: c.4338+2T>C on transcript NM_000093.5 (MANE Select); the canonical splice donor site of the intron after coding-DNA position 4338, T replaced by C.
Molecular consequence: splice donor variant.
Genome position (GRCh38, 1-based): chr9:134,818,765, T>C. VCF-style: chr9-134818765-T-C. GRCh37 (hg19) VCF-style: chr9-137710611-T-C.
Other names: c.4338+2T>C (NM_001278074.1).
Identifiers: ClinVar variation 3903276 (VCV003903276.1).

ClinVar aggregate classification (germline): Likely pathogenic (1 of 4 stars; one submission).

Submission:

GeneDx
Classification: Likely pathogenic. Last evaluated: 2024-12-16. Review status: criteria provided, single submitter. Criteria: GeneDx Variant Classification Process June 2021. Collection method: clinical testing. Allele origin: germline. Affected: yes.
Comment: Identified in an individual with a clinical diagnosis of classic Ehlers-Danlos syndrome (PMID: 37079061); Damages or destroys the splice donor site in intron 55, and is expected to cause abnormal gene splicing; if the splice outcome is exon skip, the loss of the encoded residues in the triple helical region is expected to disrupt normal protein folding and function (PMID: 22696272; HGMD); Not observed at significant frequency in large population cohorts (gnomAD); This variant is associated with the following publications: (PMID: 22696272, 37079061)